The following is an entry in ClinVar:

ClinVar aggregate classification (germline): Uncertain significance (1 of 4 stars; one submission).

Conditions:
Perlman syndrome (PRLMNS). Identifiers: Orphanet 2849, MedGen C0796113, MONDO:0009965, OMIM 267000.

Allele frequency attached by ClinVar (database versions not stated): gnomAD exomes 0.00001.
gnomAD v4.1: 11 of 1,613,850 alleles (0.00068%); highest among the groups gnomAD compares: Middle Eastern, 0.016%; no homozygotes.

Submission:

Labcorp Genetics (formerly Invitae), Labcorp
Classification: Uncertain significance for Perlman syndrome. Last evaluated: 2024-08-21. Review status: criteria provided, single submitter. Criteria: Invitae Variant Classification Sherloc (09022015). Collection method: clinical testing. Allele origin: germline.
Comment: This sequence change replaces alanine, which is neutral and non-polar, with threonine, which is neutral and polar, at codon 266 of the DIS3L2 protein (p.Ala266Thr). This variant is present in population databases (rs772470899, gnomAD 0.006%). This variant has not been reported in the literature in individuals affected with DIS3L2-related conditions. ClinVar contains an entry for this variant (Variation ID: 840412). Invitae Evidence Modeling of protein sequence and biophysical properties (such as structural, functional, and spatial information, amino acid conservation, physicochemical variation, residue mobility, and thermodynamic stability) indicates that this missense variant is not expected to disrupt DIS3L2 protein function with a negative predictive value of 80%. In summary, the available evidence is currently insufficient to determine the role of this variant in disease. Therefore, it has been classified as a Variant of Uncertain Significance.

NM_152383.5(DIS3L2):c.796G>A (p.Ala266Thr)

Gene: DIS3L2 (DIS3 like 3'-5' exoribonuclease 2; plus strand). Cytogenetic location: 2q37.1.
Variant type: single nucleotide variant.
Coding change: c.796G>A on transcript NM_152383.5 (MANE Select); coding-DNA position 796, G replaced by A.
Protein change: p.Ala266Thr; replaces alanine 266 with threonine.
Molecular consequence: missense variant. On other transcripts: non-coding transcript variant (1).
Genome position (GRCh38, 1-based): chr2:232,136,565, G>A. VCF-style: chr2-232136565-G-A. GRCh37 (hg19) VCF-style: chr2-233001275-G-A.
Other names: c.796G>A, p.Ala266Thr (NM_001257281.2); short protein forms A266T.
Identifiers: ClinVar variation 840412 (VCV000840412.6), dbSNP rs772470899, ClinGen allele CA2163955.